The following is an entry in ClinVar:

NM_006231.4(POLE):c.5652C>T (p.Ile1884=)

Gene: POLE (DNA polymerase epsilon, catalytic subunit; minus strand). Cytogenetic location: 12q24.33.
Variant type: single nucleotide variant.
Coding change: c.5652C>T on transcript NM_006231.4 (MANE Select); coding-DNA position 5652, C replaced by T.
Protein change: p.Ile1884=; no amino-acid change (isoleucine 1884 retained).
Molecular consequence: synonymous variant.
Genome position (GRCh38, 1-based): chr12:132,638,040, G>A on the plus strand (C>T on the coding strand, the complement: POLE is on the minus strand). VCF-style: chr12-132638040-G-A. GRCh37 (hg19) VCF-style: chr12-133214626-G-A.
Identifiers: ClinVar variation 473751 (VCV000473751.20), dbSNP rs567300887, ClinGen allele CA6892453.

ClinVar aggregate classification (germline): Likely benign. Review status: criteria provided, multiple submitters, no conflicts (2 of 4 stars). 4 submissions from 4 submitters: Likely benign (3). 1 of the submissions does not count toward it. Last evaluated 2025-12-21.

Conditions:
Hereditary cancer-predisposing syndrome. Also called: Neoplastic Syndromes, Hereditary; Tumor predisposition; Hereditary Cancer Syndrome; Hereditary neoplastic syndrome. Identifiers: Orphanet 140162, MedGen C0027672, MeSH D009386, MONDO:0015356.
POLE-related disorder. Also called: POLE-related disorders; POLE-related condition.

Allele frequency attached by ClinVar (database versions not stated): ExAC 0.00002; gnomAD exomes 0.00003; gnomAD 0.00005; TOPMed 0.00006; 1000 Genomes Project 30x 0.00016; 1000 Genomes Project 0.00020.
gnomAD v4.1: 28 of 1,614,030 alleles (0.0017%); highest among the groups gnomAD compares: African/African-American, 0.012%; no homozygotes.

Submissions (4):

Labcorp Genetics (formerly Invitae), Labcorp
Classification: Likely benign. Last evaluated: 2025-12-21. Review status: criteria provided, single submitter. Criteria: Invitae Variant Classification Sherloc (09022015). Collection method: clinical testing. Allele origin: germline.

GeneDx
Classification: Likely benign. Last evaluated: 2019-09-04. Review status: criteria provided, single submitter. Criteria: GeneDx Variant Classification Process June 2021. Collection method: clinical testing. Allele origin: germline. Affected: yes.

Ambry Genetics
Classification: Likely benign for Hereditary cancer-predisposing syndrome. Last evaluated: 2016-03-14. Review status: criteria provided, single submitter. Criteria: Ambry Variant Classification Scheme 2023. Collection method: clinical testing. Allele origin: germline.

PreventionGenetics, part of Exact Sciences
Classification: Likely benign for POLE-related condition. Last evaluated: 2020-09-30. Review status: no assertion criteria provided. Collection method: clinical testing. Allele origin: germline. Not counted in ClinVar's aggregate classification.
Comment: This variant is classified as likely benign based on ACMG/AMP sequence variant interpretation guidelines (Richards et al. 2015 PMID: 25741868, with internal and published modifications).